The following is an entry in ClinVar:

ClinVar aggregate classification (germline): Uncertain significance (1 of 4 stars; one submission).

Conditions:
Familial temporal lobe epilepsy 7. Identifiers: Orphanet 101046, MedGen C4225327, MONDO:0014639, OMIM 616436.
Norman-Roberts syndrome (LIS2). Also called: Lissencephaly 2 (Norman-Roberts type). Identifiers: Orphanet 89844, MedGen C0796089, MONDO:0009760, OMIM 257320.

Submission:

Labcorp Genetics (formerly Invitae), Labcorp
Classification: Uncertain significance for Familial temporal lobe epilepsy 7; Norman-Roberts syndrome. Last evaluated: 2024-10-23. Review status: criteria provided, single submitter. Criteria: Invitae Variant Classification Sherloc (09022015). Collection method: clinical testing. Allele origin: germline.
Comment: This sequence change replaces valine, which is neutral and non-polar, with isoleucine, which is neutral and non-polar, at codon 1862 of the RELN protein (p.Val1862Ile). This variant is not present in population databases (gnomAD no frequency). This variant has not been reported in the literature in individuals affected with RELN-related conditions. ClinVar contains an entry for this variant (Variation ID: 1713695). Invitae Evidence Modeling of protein sequence and biophysical properties (such as structural, functional, and spatial information, amino acid conservation, physicochemical variation, residue mobility, and thermodynamic stability) indicates that this missense variant is not expected to disrupt RELN protein function with a negative predictive value of 80%. In summary, the available evidence is currently insufficient to determine the role of this variant in disease. Therefore, it has been classified as a Variant of Uncertain Significance.

NM_005045.4(RELN):c.5584G>A (p.Val1862Ile)

Gene: RELN (reelin; minus strand). Cytogenetic location: 7q22.1.
Variant type: single nucleotide variant.
Coding change: c.5584G>A on transcript NM_005045.4 (MANE Select); coding-DNA position 5584, G replaced by A.
Protein change: p.Val1862Ile; replaces valine 1862 with isoleucine.
Molecular consequence: missense variant.
Genome position (GRCh38, 1-based): chr7:103,557,995, C>T on the plus strand (G>A on the coding strand, the complement: RELN is on the minus strand). VCF-style: chr7-103557995-C-T. GRCh37 (hg19) VCF-style: chr7-103198442-C-T.
Other names: c.5584G>A, p.Val1862Ile (NM_173054.3); short protein forms V1862I.
Identifiers: ClinVar variation 1713695 (VCV001713695.5), dbSNP rs2484727788, ClinGen allele CA368742532.